The following is an entry in ClinVar:

NM_017617.5(NOTCH1):c.7458G>A (p.Ser2486=)

Gene: NOTCH1 (notch receptor 1; minus strand). Cytogenetic location: 9q34.3.
Variant type: single nucleotide variant.
Coding change: c.7458G>A on transcript NM_017617.5 (MANE Select); coding-DNA position 7458, G replaced by A.
Protein change: p.Ser2486=; no amino-acid change (serine 2486 retained).
Molecular consequence: synonymous variant.
Genome position (GRCh38, 1-based): chr9:136,496,281, C>T on the plus strand (G>A on the coding strand, the complement: NOTCH1 is on the minus strand). VCF-style: chr9-136496281-C-T. GRCh37 (hg19) VCF-style: chr9-139390733-C-T.
Identifiers: ClinVar variation 742819 (VCV000742819.34), dbSNP rs781225824, ClinGen allele CA5339667.
Genomic context (GRCh38, chr9:136,496,281, plus strand): 5'-CTCAGGCACCTGTAGCTGGTGGCTGGGGGTGTTGTCCACAGGCGAGGAGTAGCTGTGCTG[C>T]GAGGGGGGCGTCAGGAACTGGGCTGCGGTCACGGGTGGGACCAGCGAGGATGGCAGCGAC-3'
Protein context (NP_060087.3, residues 2476-2496): VTAAQFLTPP[Ser2486=]QHSYSSPVDN

ClinVar aggregate classification (germline): Likely benign. Review status: criteria provided, multiple submitters, no conflicts (2 of 4 stars). 3 submissions from 3 submitters: Likely benign (3). Last evaluated 2024-01-09.

Conditions:
Adams-Oliver syndrome 5 (AOS5). Identifiers: Orphanet 974, MedGen C4014970, MONDO:0014459, OMIM 616028.
Familial thoracic aortic aneurysm and aortic dissection (TAAD). Also called: Thoracic aortic aneurysms and dissections. Identifiers: Orphanet 91387, MedGen C4707243, MONDO:0019625.

Allele frequency attached by ClinVar (database versions not stated): ExAC 0.00002; gnomAD 0.00002; TOPMed 0.00002.

Submissions (3):

Labcorp Genetics (formerly Invitae), Labcorp
Classification: Likely benign for Adams-Oliver syndrome 5. Last evaluated: 2024-01-09. Review status: criteria provided, single submitter. Criteria: Invitae Variant Classification Sherloc (09022015). Collection method: clinical testing. Allele origin: germline.

CeGaT Center for Human Genetics Tuebingen
Classification: Likely benign. Last evaluated: 2023-03-01. Review status: criteria provided, single submitter. Criteria: CeGaT Center For Human Genetics Tuebingen Variant Classification Criteria Version 2. Collection method: clinical testing. Allele origin: germline. Affected: yes. Observed: 1 variant allele.
Comment: NOTCH1: BP4, BP7

Ambry Genetics
Classification: Likely benign for Familial thoracic aortic aneurysm and aortic dissection. Last evaluated: 2020-07-12. Review status: criteria provided, single submitter. Criteria: Ambry Variant Classification Scheme 2023. Collection method: clinical testing. Allele origin: germline.